The following is an entry in ClinVar:

ClinVar aggregate classification (germline): Pathogenic. Review status: criteria provided, multiple submitters, no conflicts (2 of 4 stars). 11 submissions from 10 submitters: Pathogenic (8). 3 of the submissions do not count toward it. Last evaluated 2024-09-22.

Conditions:
Rare genetic deafness. Identifiers: Orphanet 96210, MedGen C5680250.
SLC26A4-related disorder. Also called: SLC26A4-related condition; SLC26A4-related disorders.
Autosomal recessive nonsyndromic hearing loss 4 (DFNB4). Also called: FOXI1-Related Pendred Syndrome; KCNJ10-Related Pendred Syndrome; Deafness, autosomal recessive 4; DEAFNESS, AUTOSOMAL RECESSIVE 4, WITH ENLARGED VESTIBULAR AQUEDUCT, DIGENIC; NEUROSENSORY NONSYNDROMIC RECESSIVE DEAFNESS 4; Nonsyndromic enlarged vestibular aqueduct (NSEVA). Identifiers: Orphanet 90636, MedGen C3538946, MONDO:0010933, OMIM 600791.
Pendred syndrome (PDS). Also called: DEAFNESS WITH GOITER; GOITER-DEAFNESS SYNDROME; HYPOTHYROIDISM, CONGENITAL, DUE TO DYSHORMONOGENESIS, 2B; THYROID DYSHORMONOGENESIS 2B; THYROID HORMONOGENESIS, GENETIC DEFECT IN, 2B; Pendred's syndrome. Identifiers: Orphanet 705, MedGen C0271829, MONDO:0010134, OMIM 274600.

Submissions (11):

Genomic Medicine Center of Excellence, King Faisal Specialist Hospital and Research Centre
Classification: Pathogenic for Autosomal recessive nonsyndromic hearing loss 4. Last evaluated: 2024-09-22. Review status: criteria provided, single submitter. Criteria: ACMG Guidelines, 2015. Collection method: clinical testing. Allele origin: germline.

Blueprint Genetics
Classification: Pathogenic for SLC26A4-related disorders. Last evaluated: 2024-01-10. Review status: criteria provided, single submitter. Criteria: ACMG Guidelines, 2015. Collection method: clinical testing. Allele origin: germline. Affected: yes. Observed: 2 variant alleles.

Department of Pathology and Laboratory Medicine, Sinai Health System
Classification: Pathogenic for Autosomal recessive nonsyndromic hearing loss 4; Pendred syndrome. Last evaluated: 2023-07-18. Review status: criteria provided, single submitter. Criteria: ACMG Guidelines, 2015. Collection method: research. Allele origin: germline.

Baylor Genetics
Classification: Pathogenic for Autosomal recessive nonsyndromic hearing loss 4. Last evaluated: 2023-02-01. Review status: criteria provided, single submitter. Criteria: ACMG Guidelines, 2015. Collection method: clinical testing. Allele origin: unknown.

Labcorp Genetics (formerly Invitae), Labcorp
Classification: Pathogenic. Last evaluated: 2021-12-11. Review status: criteria provided, single submitter. Criteria: Invitae Variant Classification Sherloc (09022015). Collection method: clinical testing. Allele origin: germline.
Comment: For these reasons, this variant has been classified as Pathogenic. ClinVar contains an entry for this variant (Variation ID: 43505). This variant is also known as c.1341+1del, 1565delG, or 1565+1delG. This premature translational stop signal has been observed in individual(s) with SLC26A4-related conditions (PMID: 9398842, 19888295, 28964290). This variant is not present in population databases (gnomAD no frequency). This sequence change creates a premature translational stop signal (p.Lys447Asnfs*8) in the SLC26A4 gene. It is expected to result in an absent or disrupted protein product. Loss-of-function variants in SLC26A4 are known to be pathogenic (PMID: 16283880, 25394566, 26252218, 26445815).

King Laboratory, University of Washington
Classification: Pathogenic for Autosomal recessive nonsyndromic hearing loss 4. Last evaluated: 2020-08-01. Review status: criteria provided, single submitter. Criteria: Abu Rayyan A et al. (Proc Natl Acad Sci U S A 2020). Collection method: research. Allele origin: germline. Affected: yes.
Comment: Analysis of patient-derived RNA indicates that SLC26A4 c.1341+1delG disrupts the splice donor of exon 11, with loss of 78bp in message and loss of aa 422-446, a complete transmembrane domain (Abu Rayyan 2020). The variant is compound heterozygous with SLC26A4 c.1149_1149+5 in 4 Palestinian children with severe to profound pre-lingual hearing loss and EVA. It is absent from 1300 Palestinian controls and from gnomAD v2.1.1.

Laboratory for Molecular Medicine, Mass General Brigham Personalized Medicine
Classification: Pathogenic for Rare genetic deafness. Last evaluated: 2014-05-20. Review status: criteria provided, single submitter. Criteria: LMM Criteria. Collection method: clinical testing. Allele origin: germline. Inheritance: Autosomal recessive inheritance. Observed: 4 variant alleles.
Comment: The c.1341+1delG variant in SLC26A4 has been reported in 5 probands with DFNB4/P endred syndrome, and segregated with hearing loss in 7 affected relatives in 2 f amilies (Everett 1997, Shahin 2010, Sheffield 1996, Tekin 2003, LMM unpublished data). Four out of 5 probands were homozygous or compound heterozygous. This var iant occurs in the invariant region (+/- 1/2) of the splice consensus sequence a nd is predicted to cause altered splicing leading to an abnormal or absent prote in. In summary, the c.1341+1delG variant meets our criteria to be classified as pathogenic.

Genetics Research Center, University of Social Welfare and Rehabilitation Sciences
Classification: Pathogenic for Autosomal recessive nonsyndromic hearing loss 4. Review status: criteria provided, single submitter. Criteria: ACMG Guidelines, 2015. Collection method: research. Allele origin: germline. Affected: yes.
Comment: The variant is not present in the gnomAD v2.1.1 dataset and has been previously reported in individual(s) affected with SLC26A4-related hearing loss (PMID:9398842‚ 19888295‚ 28964290‚ 16283880‚ 25394566‚ 26252218‚ 26445815). It is expected to result in an absent or disrupted protein product.

Hereditary Research Laboratory, Bethlehem University
Classification: Pathogenic for Pendred syndrome. Last evaluated: 2016-06-04. Review status: no assertion criteria provided. Collection method: research. Allele origin: germline. Affected: yes. Not counted in ClinVar's aggregate classification.
Comment: severe to profound w/endolymphatic sac

OMIM
Classification: Pathogenic for PENDRED SYNDROME. Last evaluated: 1997-12-01. Review status: no assertion criteria provided. Collection method: literature only. Allele origin: germline. Not counted in ClinVar's aggregate classification.

Hereditary Research Laboratory, Bethlehem University
Classification: Pathogenic for Pendred syndrome. Last evaluated: 2016-06-04. Review status: flagged submission. Collection method: research. Allele origin: germline. Affected: yes. Not counted in ClinVar's aggregate classification.
Comment: Severe to Profound SNHL
ClinVar note: Reason: This record appears to be redundant with a more recent record from the same submitter.
ClinVar note: Notes: SCV000538117 appears to be redundant with SCV000538120.

Literature cited by the submitters: PubMed 9398842 (cited by 4 submitters); PubMed 19888295 (cited by 3 submitters); PubMed 28964290 (cited by Labcorp Genetics (formerly Invitae), Labcorp and Genetics Research Center, University of Social Welfare and Rehabilitation Sciences); PubMed 16283880 (cited by Labcorp Genetics (formerly Invitae), Labcorp and Genetics Research Center, University of Social Welfare and Rehabilitation Sciences); PubMed 25394566 (cited by Labcorp Genetics (formerly Invitae), Labcorp and Genetics Research Center, University of Social Welfare and Rehabilitation Sciences); PubMed 26252218 (cited by Labcorp Genetics (formerly Invitae), Labcorp and Genetics Research Center, University of Social Welfare and Rehabilitation Sciences); PubMed 26445815 (cited by Labcorp Genetics (formerly Invitae), Labcorp and Genetics Research Center, University of Social Welfare and Rehabilitation Sciences); PubMed 8630498 (cited by Laboratory for Molecular Medicine, Mass General Brigham Personalized Medicine); PubMed 12974744 (cited by Laboratory for Molecular Medicine, Mass General Brigham Personalized Medicine).

NM_000441.2(SLC26A4):c.1341+1del

Gene: SLC26A4 (solute carrier family 26 member 4; plus strand). Cytogenetic location: 7q22.3.
Variant type: Deletion.
Coding change: c.1341+1del on transcript NM_000441.2 (MANE Select); the canonical splice donor site of the intron after coding-DNA position 1341, one base deleted (G; older notation c.1341+1delG).
Molecular consequence: splice donor variant.
Genome position (GRCh38, 1-based): chr7:107,694,481, G deleted; the last of 2 consecutive G bases (chr7:107,694,480-107,694,481); deleting either gives the same sequence. VCF-style (leftmost placement, unchanged base first): chr7-107694479-AG-A. GRCh37 (hg19) VCF-style: chr7-107334924-AG-A.
Other names: c.1341delG (NM_000441.1).
Identifiers: ClinVar variation 43505 (VCV000043505.19), dbSNP rs397516417, ClinGen allele CA261410.